The following is an entry in ClinVar:

NM_005228.5(EGFR):c.3176C>G (p.Pro1059Arg)

Gene: EGFR (epidermal growth factor receptor; plus strand). Cytogenetic location: 7p11.2.
Variant type: single nucleotide variant.
Coding change: c.3176C>G on transcript NM_005228.5 (MANE Select); coding-DNA position 3176, C replaced by G.
Protein change: p.Pro1059Arg; replaces proline 1059 with arginine.
Molecular consequence: missense variant.
Genome position (GRCh38, 1-based): chr7:55,202,530, C>G. VCF-style: chr7-55202530-C-G. GRCh37 (hg19) VCF-style: chr7-55270223-C-G.
Other names: c.3041C>G, p.Pro1014Arg (NM_001346897.2, NM_001346899.2); c.3176C>G, p.Pro1059Arg (NM_001346898.2); c.3017C>G, p.Pro1006Arg (NM_001346900.2); c.2375C>G, p.Pro792Arg (NM_001346941.2); short protein forms P792R, P1006R, P1059R, P1014R.
Identifiers: ClinVar variation 1492684 (VCV001492684.8), dbSNP rs1406092971, ClinGen allele CA367583187.
Genomic context (GRCh38, chr7:55,202,530, plus strand): 5'-TTGGGGCAGCCCTGACCGGAGTAACCTTCCCTCATTTCCTCCTGCAGCTGCAAAGCTGTC[C>G]CATCAAGGAAGACAGCTTCTTGCAGCGATACAGCTCAGACCCCACAGGCGCCTTGACTGA-3'
Protein context (NP_005219.2, residues 1049-1069): CIDRNGLQSC[Pro1059Arg]IKEDSFLQRY

ClinVar aggregate classification (germline): Uncertain significance (1 of 4 stars; one submission).

Conditions:
EGFR-related lung cancer (EGFR). Identifiers: MedGen CN130014.

Submission:

Labcorp Genetics (formerly Invitae), Labcorp
Classification: Uncertain significance for EGFR-related lung cancer. Last evaluated: 2022-01-26. Review status: criteria provided, single submitter. Criteria: Invitae Variant Classification Sherloc (09022015). Collection method: clinical testing. Allele origin: germline.
Comment: This sequence change replaces proline, which is neutral and non-polar, with arginine, which is basic and polar, at codon 1059 of the EGFR protein (p.Pro1059Arg). This variant is not present in population databases (gnomAD no frequency). This variant has not been reported in the literature in individuals affected with EGFR-related conditions. Algorithms developed to predict the effect of missense changes on protein structure and function output the following: SIFT: "Tolerated"; PolyPhen-2: "Benign"; Align-GVGD: "Class C0". The arginine amino acid residue is found in multiple mammalian species, which suggests that this missense change does not adversely affect protein function. In summary, the available evidence is currently insufficient to determine the role of this variant in disease. Therefore, it has been classified as a Variant of Uncertain Significance.